The following is an entry in ClinVar:

NM_006612.6(KIF1C):c.2906T>C (p.Phe969Ser)

Gene: KIF1C (kinesin family member 1C; plus strand). Cytogenetic location: 17p13.2.
Variant type: single nucleotide variant.
Coding change: c.2906T>C on transcript NM_006612.6 (MANE Select); coding-DNA position 2906, T replaced by C.
Protein change: p.Phe969Ser; replaces phenylalanine 969 with serine.
Molecular consequence: missense variant.
Genome position (GRCh38, 1-based): chr17:5,023,745, T>C. VCF-style: chr17-5023745-T-C. GRCh37 (hg19) VCF-style: chr17-4927040-T-C.
Other names: short protein forms F969S.
Identifiers: ClinVar variation 3388773 (VCV003388773.14).

ClinVar aggregate classification (germline): Uncertain significance (1 of 4 stars; one submission).

Submission:

CeGaT Center for Human Genetics Tuebingen
Classification: Uncertain significance. Last evaluated: 2024-09-01. Review status: criteria provided, single submitter. Criteria: CeGaT Center For Human Genetics Tuebingen Variant Classification Criteria Version 2. Collection method: clinical testing. Allele origin: germline. Affected: yes. Observed: 1 variant allele.
Comment: KIF1C: PM2, PP3